The following is an entry in ClinVar:

NM_000110.4(DPYD):c.2579del (p.Gln860fs)

Genes: DPYD (dihydropyrimidine dehydrogenase; minus strand), DPYD-AS1 (DPYD antisense RNA 1; plus strand). Cytogenetic location: 1p21.3.
Variant type: Deletion.
Coding change: c.2579del on transcript NM_000110.4 (MANE Select); coding-DNA position 2579, one base deleted (A; older notation c.2579delA).
Protein change: p.Gln860fs; shifts the reading frame from glutamine 860.
Molecular consequence: frameshift variant.
Genome position (GRCh38, 1-based): chr1:97,193,112, T deleted on the plus strand (A on the coding strand, the reverse complement: DPYD is on the minus strand). VCF-style (leftmost placement, unchanged base first): chr1-97193111-CT-C. GRCh37 (hg19) VCF-style: chr1-97658667-CT-C.
Other names: c.2579delA (NM_000110.3); short protein forms Q860fs.
Identifiers: ClinVar variation 551707 (VCV000551707.12), dbSNP rs746991079, ClinGen allele CA963004.

ClinVar aggregate classification (germline): Pathogenic/Likely pathogenic. Review status: criteria provided, multiple submitters, no conflicts (2 of 4 stars). 7 submissions from 7 submitters: Pathogenic (3); Likely pathogenic (3). 1 of the submissions does not count toward it. Last evaluated 2025-12-16.

Conditions:
Dihydropyrimidine dehydrogenase deficiency (DPYDD). Also called: DPD DEFICIENCY; DPYD DEFICIENCY; Hereditary Thymine-Uraciluria. Identifiers: Orphanet 1675, MedGen C1959620, MONDO:0010130, OMIM 274270.
Inborn genetic diseases. Identifiers: MedGen C0950123, MeSH D030342.

Allele frequency attached by ClinVar (database versions not stated): ExAC 0.00003; gnomAD exomes 0.00004 and 0.00005; TOPMed 0.00004; gnomAD 0.00005 and 0.00006.

Submissions (7):

Ambry Genetics
Classification: Pathogenic for Inborn genetic diseases. Last evaluated: 2025-12-16. Review status: criteria provided, single submitter. Criteria: Ambry Variant Classification Scheme 2023. Collection method: clinical testing. Allele origin: germline.
Comment: The c.2579delA (p.Q860Rfs*9) alteration, located in exon 20 (coding exon 20) of the DPYD gene, consists of a deletion of one nucleotide at position 2579, causing a translational frameshift with a predicted alternate stop codon after 9 amino acids. This alteration is expected to result in loss of function by premature protein truncation or nonsense-mediated mRNA decay. Based on data from gnomAD, the c.2579delA allele has an overall frequency of 0.004% (9/251116) total alleles studied. The highest observed frequency was 0.008% (9/113494) of European (non-Finnish) alleles. Based on the available evidence, this alteration is classified as pathogenic.

GeneDx
Classification: Likely pathogenic. Last evaluated: 2025-10-02. Review status: criteria provided, single submitter. Criteria: GeneDx Variant Classification Process June 2021. Collection method: clinical testing. Allele origin: germline. Affected: yes.
Comment: Reported previously in the heterozygous state in individuals with or without DPD deficiency (PMID: 21590448, 36430399, 38216550); Frameshift variant predicted to result in protein truncation or nonsense mediated decay in a gene for which loss of function is a known mechanism of disease; Not observed at significant frequency in large population cohorts (gnomAD); This variant is associated with the following publications: (PMID: 26551538, 21590448, 36430399, 38216550)

Revvity Omics, Revvity
Classification: Pathogenic for Dihydropyrimidine dehydrogenase deficiency. Last evaluated: 2025-02-28. Review status: criteria provided, single submitter. Criteria: ACMG Guidelines, 2015. Collection method: clinical testing. Allele origin: germline.

Baylor Genetics
Classification: Pathogenic for Dihydropyrimidine dehydrogenase deficiency. Last evaluated: 2024-02-02. Review status: criteria provided, single submitter. Criteria: ACMG Guidelines, 2015. Collection method: clinical testing. Allele origin: unknown.

Genome-Nilou Lab
Classification: Likely pathogenic for Dihydropyrimidine dehydrogenase deficiency. Last evaluated: 2023-04-11. Review status: criteria provided, single submitter. Criteria: ACMG Guidelines, 2015. Collection method: clinical testing. Allele origin: germline. Affected: no.

Women's Health and Genetics/Laboratory Corporation of America, LabCorp
Classification: Likely pathogenic for Dihydropyrimidine dehydrogenase deficiency. Last evaluated: 2022-11-17. Review status: criteria provided, single submitter. Criteria: LabCorp Variant Classification Summary - May 2015. Collection method: clinical testing. Allele origin: germline.
Comment: Variant summary: DPYD c.2579delA (p.Gln860ArgfsX9) results in a premature termination codon, predicted to cause a truncation of the encoded protein or absence of the protein due to nonsense mediated decay, which are commonly known mechanisms for disease. Truncations downstream of this position have been classified as likely pathogenic by our laboratory. The variant allele was found at a frequency of 3.6e-05 in 251116 control chromosomes. c.2579delA has been reported in the literature in individuals affected with Dihydropyrimidine Dehydrogenase Deficiency (e.g. van Staveren_2011). These data indicate that the variant may be associated with disease. To our knowledge, no experimental evidence demonstrating an impact on protein function has been reported. Two ClinVar submitters (evaluation after 2014) classified the variant as likely pathogenic. Based on the evidence outlined above, the variant was classified as likely pathogenic.

Counsyl
Classification: Likely pathogenic for Dihydropyrimidine dehydrogenase deficiency. Last evaluated: 2017-05-03. Review status: no assertion criteria provided. Collection method: clinical testing. Allele origin: unknown. Not counted in ClinVar's aggregate classification.

Literature cited by the submitters: PubMed 32973300 (cited by Women's Health and Genetics/Laboratory Corporation of America, LabCorp); PubMed 26551538 (cited by Women's Health and Genetics/Laboratory Corporation of America, LabCorp); PubMed 21590448 (cited by Women's Health and Genetics/Laboratory Corporation of America, LabCorp and Counsyl).